The following is an entry in ClinVar:

NM_006096.4(NDRG1):c.1171G>A (p.Glu391Lys)

Gene: NDRG1 (N-myc downstream regulated 1; minus strand). Cytogenetic location: 8q24.22.
Variant type: single nucleotide variant.
Coding change: c.1171G>A on transcript NM_006096.4 (MANE Select); coding-DNA position 1171, G replaced by A.
Protein change: p.Glu391Lys; replaces glutamic acid 391 with lysine.
Molecular consequence: missense variant.
Genome position (GRCh38, 1-based): chr8:133,238,892, C>T on the plus strand (G>A on the coding strand, the complement: NDRG1 is on the minus strand). VCF-style: chr8-133238892-C-T. GRCh37 (hg19) VCF-style: chr8-134251135-C-T.
Other names: c.1171G>A, p.Glu391Lys (NM_001135242.2, NM_001374845.1, NM_001374846.1); c.973G>A, p.Glu325Lys (NM_001258432.2, NM_001374847.1); c.928G>A, p.Glu310Lys (NM_001258433.2); c.1222G>A, p.Glu408Lys (NM_001374844.1); short protein forms E310K, E325K, E391K, E408K.
Identifiers: ClinVar variation 1017400 (VCV001017400.8), dbSNP rs1413072034, ClinGen allele CA372254200.

ClinVar aggregate classification (germline): Uncertain significance (1 of 4 stars; one submission).

Conditions:
Charcot-Marie-Tooth disease type 4. Also called: Charcot-Marie-Tooth, Type 4; Charcot-Marie-Tooth disease, type IV. Identifiers: Orphanet 64749, MedGen C4082197, MONDO:0018995.

Submission:

Labcorp Genetics (formerly Invitae), Labcorp
Classification: Uncertain significance for Charcot-Marie-Tooth disease type 4. Last evaluated: 2020-09-01. Review status: criteria provided, single submitter. Criteria: Invitae Variant Classification Sherloc (09022015). Collection method: clinical testing. Allele origin: germline.
Comment: In summary, the available evidence is currently insufficient to determine the role of this variant in disease. Therefore, it has been classified as a Variant of Uncertain Significance. Algorithms developed to predict the effect of missense changes on protein structure and function are either unavailable or do not agree on the potential impact of this missense change (SIFT: "Tolerated"; PolyPhen-2: "Probably Damaging"; Align-GVGD: "Class C0"). This variant has not been reported in the literature in individuals with NDRG1-related conditions. This variant is not present in population databases (ExAC no frequency). This sequence change replaces glutamic acid with lysine at codon 391 of the NDRG1 protein (p.Glu391Lys). The glutamic acid residue is moderately conserved and there is a small physicochemical difference between glutamic acid and lysine.